The following is an entry in ClinVar:

NM_004958.4(MTOR):c.5621C>T (p.Ser1874Phe)

Gene: MTOR (mechanistic target of rapamycin kinase; minus strand). Cytogenetic location: 1p36.22.
Variant type: single nucleotide variant.
Coding change: c.5621C>T on transcript NM_004958.4 (MANE Select); coding-DNA position 5621, C replaced by T.
Protein change: p.Ser1874Phe; replaces serine 1874 with phenylalanine.
Molecular consequence: missense variant.
Genome position (GRCh38, 1-based): chr1:11,129,831, G>A on the plus strand (C>T on the coding strand, the complement: MTOR is on the minus strand). VCF-style: chr1-11129831-G-A. GRCh37 (hg19) VCF-style: chr1-11189888-G-A.
Other names: c.5621C>T, p.Ser1874Phe (NM_001386500.1); c.4373C>T, p.Ser1458Phe (NM_001386501.1); short protein forms S1458F, S1874F.
Identifiers: ClinVar variation 4799829 (VCV004799829.1).

ClinVar aggregate classification (germline): Uncertain significance (1 of 4 stars; one submission).

Submission:

Labcorp Genetics (formerly Invitae), Labcorp
Classification: Uncertain significance. Last evaluated: 2025-05-27. Review status: criteria provided, single submitter. Criteria: Invitae Variant Classification Sherloc (09022015). Collection method: clinical testing. Allele origin: germline.
Comment: This sequence change replaces serine, which is neutral and polar, with phenylalanine, which is neutral and non-polar, at codon 1874 of the MTOR protein (p.Ser1874Phe). This variant is not present in population databases (gnomAD no frequency). This variant has not been reported in the literature in individuals affected with MTOR-related conditions. Invitae Evidence Modeling of protein sequence and biophysical properties (such as structural, functional, and spatial information, amino acid conservation, physicochemical variation, residue mobility, and thermodynamic stability) indicates that this missense variant is not expected to disrupt MTOR protein function with a negative predictive value of 95%. In summary, the available evidence is currently insufficient to determine the role of this variant in disease. Therefore, it has been classified as a Variant of Uncertain Significance.